The following is an entry in ClinVar:

ClinVar aggregate classification (germline): Uncertain significance (1 of 4 stars; one submission).

Conditions:
Distal hereditary motor neuropathy type 2. Identifiers: Orphanet 139525, MedGen C3711384, MeSH C580044, MONDO:0015352.

Allele frequency attached by ClinVar (database versions not stated): gnomAD 0.00001; gnomAD exomes 0.00001 and 0.00002; ExAC 0.00002; TOPMed 0.00002; 1000 Genomes Project 30x 0.00016; 1000 Genomes Project 0.00020.
gnomAD v4.1: 19 of 1,613,702 alleles (0.0012%); highest among the groups gnomAD compares: Middle Eastern, 0.017%; no homozygotes.

Submission:

Labcorp Genetics (formerly Invitae), Labcorp
Classification: Uncertain significance for Distal hereditary motor neuropathy type 2. Last evaluated: 2026-01-08. Review status: criteria provided, single submitter. Criteria: Invitae Variant Classification Sherloc (09022015). Collection method: clinical testing. Allele origin: germline.
Comment: This sequence change replaces histidine, which is basic and polar, with tyrosine, which is neutral and polar, at codon 514 of the FBXO38 protein (p.His514Tyr). This variant is present in population databases (rs191831422, gnomAD 0.009%). This variant has not been reported in the literature in individuals affected with FBXO38-related conditions. ClinVar contains an entry for this variant (Variation ID: 859982). Invitae Evidence Modeling of protein sequence and biophysical properties (such as structural, functional, and spatial information, amino acid conservation, physicochemical variation, residue mobility, and thermodynamic stability) indicates that this missense variant is not expected to disrupt FBXO38 protein function with a negative predictive value of 80%. In summary, the available evidence is currently insufficient to determine the role of this variant in disease. Therefore, it has been classified as a Variant of Uncertain Significance.

NM_205836.3(FBXO38):c.1540C>T (p.His514Tyr)

Gene: FBXO38 (F-box protein 38; plus strand). Cytogenetic location: 5q32.
Variant type: single nucleotide variant.
Coding change: c.1540C>T on transcript NM_205836.3 (MANE Select); coding-DNA position 1540, C replaced by T.
Protein change: p.His514Tyr; replaces histidine 514 with tyrosine.
Molecular consequence: missense variant.
Genome position (GRCh38, 1-based): chr5:148,417,126, C>T. VCF-style: chr5-148417126-C-T. GRCh37 (hg19) VCF-style: chr5-147796689-C-T.
Other names: c.1540C>T, p.His514Tyr (NM_001271723.2, NM_030793.5); short protein forms H514Y.
Identifiers: ClinVar variation 859982 (VCV000859982.11), dbSNP rs191831422, ClinGen allele CA3497301.
Genomic context (GRCh38, chr5:148,417,126, plus strand): 5'-TCCAACAATGACGATAATAATGCCCAGAATAACAATGCCAACATCCACGACAACAATCAC[C>T]ATCATCCAGATGACTCAGACGAGGAGAATGACTTTCGGCAAGATCTGCAGCCAGGAGAGC-3'
Protein context (NP_995308.1, residues 504-524): NNANIHDNNH[His514Tyr]HPDDSDEEND